The following is an entry in ClinVar:

NM_003319.4(TTN):c.18883_18897del (p.Ile6295_Gly6299del)

Gene: TTN (titin; minus strand). Cytogenetic location: 2q31.2.
Variant type: Deletion.
Coding change: c.18883_18897del on transcript NM_003319.4; coding-DNA positions 18883 to 18897, 15 bases deleted (ATTAAAGACTGTGGC).
Protein change: p.Ile6295_Gly6299del.
Molecular consequence: inframe deletion (on NM_001267550.2).
Genome position (GRCh38, 1-based): chr2:178,620,429-178,620,443, GCCACAGTCTTTAAT deleted on the plus strand (ATTAAAGACTGTGGC on the coding strand, the reverse complement: TTN is on the minus strand); deleting any 15 consecutive bases within chr2:178,620,429-178,620,444 gives the same sequence; the c. name uses the placement nearest the transcript's 3' end. VCF-style (leftmost placement, unchanged base first): chr2-178620428-AGCCACAGTCTTTAAT-A. GRCh37 (hg19) VCF-style: chr2-179485155-AGCCACAGTCTTTAAT-A.
Other names: c.41155_41169del, p.Ile13719_Gly13723del (NM_001256850.1); c.46078_46092del, p.Ile15360_Gly15364del (NM_001267550.2); c.38374_38388del, p.Ile12792_Gly12796del (NM_133378.4); c.19258_19272del, p.Ile6420_Gly6424del (NM_133432.3); c.19459_19473del, p.Ile6487_Gly6491del (NM_133437.4); c.46078_46092delATTAAAGACTGTGGC (NM_001267550.2); c.18883_18897del15 (NM_003319.4).
Identifiers: ClinVar variation 179718 (VCV000179718.16), dbSNP rs727505075, ClinGen allele CA184988.
Genomic context (GRCh38, chr2:178,620,428, plus strand): 5'-GAAGCTCAGCAACAGATTTATCTTGTCCAGCAGTGACAATGTATTCACCTTCATCTGGGA[AGCCACAGTCTTTAAT>A]GGTTAACATGTGCTTGTACTTATCAACTCTGTATGAGACACGGTTGTCAAAAGGCACTTC-3'

ClinVar aggregate classification (germline): Uncertain significance. Review status: criteria provided, multiple submitters, no conflicts (2 of 4 stars). 4 submissions from 4 submitters: Uncertain significance (4). Last evaluated 2024-11-06.

Conditions:
Cardiovascular phenotype. Identifiers: MedGen CN230736.
Autosomal recessive limb-girdle muscular dystrophy type 2J (LGMDR10). Also called: MUSCULAR DYSTROPHY, LIMB-GIRDLE, AUTOSOMAL RECESSIVE 10; Limb-girdle muscular dystrophy, type 2J. Identifiers: Orphanet 140922, MedGen C1837342, MONDO:0012127, OMIM 608807.
Dilated cardiomyopathy 1G (CMD1G). Identifiers: Orphanet 154, MedGen C1858763, MONDO:0011400, OMIM 604145.
Tibial muscular dystrophy (TMD). Also called: Tibial muscular dystrophy, tardive; Udd Distal Myopathy – Tibial Muscular Dystrophy; UDD MYOPATHY. Identifiers: Orphanet 609, MedGen C1838244, MONDO:0010870, OMIM 600334.
Myopathy, myofibrillar, 9, with early respiratory failure (MFM9). Also called: Myopathy, distal, with early respiratory failure, autosomal dominant; EDSTROM MYOPATHY; MYOPATHY, PROXIMAL, WITH EARLY RESPIRATORY MUSCLE INVOLVEMENT; Hereditary myopathy with early respiratory failure. Identifiers: Orphanet 178464, Orphanet 34521, MedGen C1863599, MONDO:0011362, OMIM 603689.
Early-onset myopathy with fatal cardiomyopathy (CMYO5). Also called: CONGENITAL MYOPATHY 5 WITH CARDIOMYOPATHY; Salih Myopathy. Identifiers: Orphanet 289377, MedGen C2673677, MONDO:0012714, OMIM 611705. Disease mechanism: loss of function.
Hypertrophic cardiomyopathy 9. Also called: Familial hypertrophic cardiomyopathy 9. Identifiers: MedGen C1861065, MONDO:0013412, OMIM 613765.

Submissions (4):

Labcorp Genetics (formerly Invitae), Labcorp
Classification: Uncertain significance for Dilated cardiomyopathy 1G; Autosomal recessive limb-girdle muscular dystrophy type 2J. Last evaluated: 2024-11-06. Review status: criteria provided, single submitter. Criteria: Invitae Variant Classification Sherloc (09022015). Collection method: clinical testing. Allele origin: germline.
Comment: This variant, c.46078_46092del, results in the deletion of 5 amino acid(s) of the TTN protein (p.Ile15360_Gly15364del), but otherwise preserves the integrity of the reading frame. This variant is present in population databases (rs727505075, gnomAD 0.0009%). This variant has not been reported in the literature in individuals affected with TTN-related conditions. ClinVar contains an entry for this variant (Variation ID: 179718). Experimental studies and prediction algorithms are not available or were not evaluated, and the functional significance of this variant is currently unknown. This variant is located in the I band of TTN (PMID: 25589632). Non-truncating variants in this region may be clinically relevant, but have not been definitively shown to cause cardiomyopathy or neuromuscular disease (PMID: 27493940, 32778822). In summary, the available evidence is currently insufficient to determine the role of this variant in disease. Therefore, it has been classified as a Variant of Uncertain Significance.

Ambry Genetics
Classification: Uncertain significance for Cardiovascular phenotype. Last evaluated: 2022-09-23. Review status: criteria provided, single submitter. Criteria: Ambry Variant Classification Scheme 2023. Collection method: clinical testing. Allele origin: germline.
Comment: The c.18883_18897del15 variant (also known as p.I6295_G6299del) is located in coding exon 75 of the TTN gene. This variant results from an in-frame deletion of 15 nucleotides (ATTAAAGACTGTGGC) at nucleotide positions 18883 to 18897. This results in the in-frame deletion of five amino acid residues (isoleucine, lysine, aspartic acid, cysteine, and glycine) from codon 6295 to 6299. These amino acid positions are well conserved in available vertebrate species. Since supporting evidence is limited at this time, the clinical significance of this alteration remains unclear.

Fulgent Genetics
Classification: Uncertain significance for Tibial muscular dystrophy; Myopathy, myofibrillar, 9, with early respiratory failure; Dilated cardiomyopathy 1G; Autosomal recessive limb-girdle muscular dystrophy type 2J; Early-onset myopathy with fatal cardiomyopathy; Hypertrophic cardiomyopathy 9. Last evaluated: 2022-02-03. Review status: criteria provided, single submitter. Criteria: ACMG Guidelines, 2015. Collection method: clinical testing. Allele origin: unknown.

Laboratory for Molecular Medicine, Mass General Brigham Personalized Medicine
Classification: Uncertain significance. Last evaluated: 2014-04-09. Review status: criteria provided, single submitter. Criteria: LMM Criteria. Collection method: clinical testing. Allele origin: germline. Observed: 1 variant allele.
Comment: The Ile12792_Gly12796del variant in TTN has not been previously reported in indi viduals with cardiomyopathy or in large population studies. This variant is a de letion of 5 amino acids at position 12792 and is not predicted to alter the prot ein reading-frame. It is unclear if this deletion will impact the protein. Addit ional information is needed to fully assess the clinical significance of the Ile 12792_Gly12796del variant.

Literature cited by the submitters: PubMed 25589632 (cited by Labcorp Genetics (formerly Invitae), Labcorp); PubMed 27493940 (cited by Labcorp Genetics (formerly Invitae), Labcorp); PubMed 32778822 (cited by Labcorp Genetics (formerly Invitae), Labcorp).